The following is an entry in ClinVar:

NM_000435.3(NOTCH3):c.4038C>T (p.His1346=)

Gene: NOTCH3 (notch receptor 3; minus strand). Cytogenetic location: 19p13.12.
Variant type: single nucleotide variant.
Coding change: c.4038C>T on transcript NM_000435.3 (MANE Select); coding-DNA position 4038, C replaced by T.
Protein change: p.His1346=; no amino-acid change (histidine 1346 retained).
Molecular consequence: synonymous variant.
Genome position (GRCh38, 1-based): chr19:15,177,890, G>A on the plus strand (C>T on the coding strand, the complement: NOTCH3 is on the minus strand). VCF-style: chr19-15177890-G-A. GRCh37 (hg19) VCF-style: chr19-15288701-G-A.
Identifiers: ClinVar variation 444453 (VCV000444453.43), dbSNP rs1555727404, ClinGen allele CA506077493.

ClinVar aggregate classification (germline): Likely benign (1 of 4 stars; one submission).

Allele frequency attached by ClinVar (database versions not stated): gnomAD exomes below 0.00001.
gnomAD v4.1: 2 of 1,254,870 alleles (0.00016%); highest among the groups gnomAD compares: Non-Finnish European, 0.0002%; no homozygotes.

Submission:

CeGaT Center for Human Genetics Tuebingen
Classification: Likely benign. Last evaluated: 2024-09-01. Review status: criteria provided, single submitter. Criteria: CeGaT Center For Human Genetics Tuebingen Variant Classification Criteria Version 2. Collection method: clinical testing. Allele origin: germline. Affected: yes. Observed: 2 variant alleles.
Comment: NOTCH3: BP4, BP7